The following is an entry in ClinVar:

ClinVar aggregate classification (germline): Pathogenic. Review status: criteria provided, multiple submitters, no conflicts (2 of 4 stars). 2 submissions from 2 submitters: Pathogenic (2). Last evaluated 2024-09-24.

Conditions:
Joubert syndrome. Also called: CEREBELLOPARENCHYMAL DISORDER IV; JOUBERT-BOLTSHAUSER SYNDROME; Familial aplasia of the vermis. Identifiers: Orphanet 475, MedGen C5979921, MONDO:0018772.
Meckel-Gruber syndrome. Also called: DYSENCEPHALIA SPLANCHNOCYSTICA; GRUBER SYNDROME; Dysencephalia splachnocystica. Identifiers: Orphanet 564, MedGen C0265215, MONDO:0018921.
Meckel syndrome, type 1 (MKS1). Also called: MECKEL-GRUBER SYNDROME, TYPE 1. Identifiers: Orphanet 564, MedGen C3714506, MONDO:0009571, OMIM 249000.

Submissions (2):

Natera, Inc.
Classification: Pathogenic for Meckel syndrome type 1. Last evaluated: 2024-09-24. Review status: criteria provided, single submitter. Criteria: Natera Variant Classification Schema (03/2026). Collection method: clinical testing. Allele origin: germline.
Comment: The c.1058del variant in MKS1 is a frameshift variant predicted to shift the reading frame beginning at codon 353 and leads to a stop codon 2 codons downstream. This variant is expected to result in nonsense mediated decay, truncation, or a dysfunctional protein product. This variant is rare in the general population with a frequency below the threshold expected for the associated phenotype(s). This variant has been observed in one or more individuals affected with the associated recessive disease, as either homozygous or compound heterozygous with a second variant (PMID: 33193692). Given the available evidence, this variant is classified as Pathogenic.

Labcorp Genetics (formerly Invitae), Labcorp
Classification: Pathogenic for Joubert syndrome; Meckel-Gruber syndrome. Last evaluated: 2023-03-29. Review status: criteria provided, single submitter. Criteria: Invitae Variant Classification Sherloc (09022015). Collection method: clinical testing. Allele origin: germline.
Comment: For these reasons, this variant has been classified as Pathogenic. This variant has not been reported in the literature in individuals affected with MKS1-related conditions. This variant is not present in population databases (gnomAD no frequency). This sequence change creates a premature translational stop signal (p.Gly353Glufs*2) in the MKS1 gene. It is expected to result in an absent or disrupted protein product. Loss-of-function variants in MKS1 are known to be pathogenic (PMID: 19466712, 24886560, 26490104).

Literature cited by the submitters: PubMed 33193692 (cited by Natera, Inc.); PubMed 19466712 (cited by Labcorp Genetics (formerly Invitae), Labcorp); PubMed 24886560 (cited by Labcorp Genetics (formerly Invitae), Labcorp); PubMed 26490104 (cited by Labcorp Genetics (formerly Invitae), Labcorp).

NM_017777.4(MKS1):c.1058del (p.Gly353fs)

Gene: MKS1 (MKS transition zone complex subunit 1; minus strand). Cytogenetic location: 17q22.
Variant type: Deletion.
Coding change: c.1058del on transcript NM_017777.4 (MANE Select); coding-DNA position 1058, one base deleted (G; older notation c.1058delG).
Protein change: p.Gly353fs; shifts the reading frame from glycine 353.
Molecular consequence: frameshift variant.
Genome position (GRCh38, 1-based): chr17:58,208,550, C deleted on the plus strand (G on the coding strand, the reverse complement: MKS1 is on the minus strand); the first of 2 consecutive C bases (chr17:58,208,550-58,208,551); deleting either gives the same sequence. VCF-style (leftmost placement, unchanged base first): chr17-58208549-TC-T. GRCh37 (hg19) VCF-style: chr17-56285910-TC-T.
Other names: c.449del, p.Gly150fs (NM_001321268.2); c.1058del, p.Gly353fs (NM_001321269.2, NM_001330397.2, NM_001411113.1); c.1057delG, p.Gly353Glufs (NM_017777.3); c.1058del (NM_017777.3); short protein forms G150fs, G353fs.
Identifiers: ClinVar variation 2933353 (VCV002933353.3), dbSNP rs2509416584, ClinGen allele CA2695226597.